The following is an entry in ClinVar:

ClinVar aggregate classification (germline): Uncertain significance. Review status: criteria provided, multiple submitters, no conflicts (2 of 4 stars). 2 submissions from 2 submitters: Uncertain significance (2). Last evaluated 2025-08-02.

Conditions:
Inborn genetic diseases. Identifiers: MedGen C0950123, MeSH D030342.
Muscular dystrophy-dystroglycanopathy (congenital with impaired intellectual development), type B, 2. Also called: Muscular dystrophy-dystroglycanopathy (congenital with intellectual disability), type B2; MUSCULAR DYSTROPHY, CONGENITAL, POMT2-RELATED. Identifiers: MedGen C3150416, MONDO:0013160, OMIM 613156.
Autosomal recessive limb-girdle muscular dystrophy type 2N. Also called: MUSCULAR DYSTROPHY-DYSTROGLYCANOPATHY, LIMB-GIRDLE, POMT2-RELATED; Muscular dystrophy-dystroglycanopathy (limb-girdle), type C, 2. Identifiers: Orphanet 206559, MedGen C3150418, MONDO:0013162, OMIM 613158.
Muscular dystrophy-dystroglycanopathy (congenital with brain and eye anomalies), type A2. Also called: MUSCULAR DYSTROPHY-DYSTROGLYCANOPATHY (CONGENITAL WITH BRAIN AND EYE ANOMALIES), TYPE A, 2; WALKER-WARBURG SYNDROME OR MUSCLE-EYE-BRAIN DISEASE, POMT2-RELATED. Identifiers: Orphanet 588, Orphanet 899, MedGen C3150411, MONDO:0013154, OMIM 613150.

Allele frequency attached by ClinVar (database versions not stated): ExAC 0.00001.
gnomAD v4.1: 4 of 1,613,028 alleles (0.00025%); highest among the groups gnomAD compares: Admixed American, 0.0067%; no homozygotes.

Submissions (2):

Ambry Genetics
Classification: Uncertain significance for Inborn genetic diseases. Last evaluated: 2025-08-02. Review status: criteria provided, single submitter. Criteria: Ambry Variant Classification Scheme 2023. Collection method: clinical testing. Allele origin: germline.

Labcorp Genetics (formerly Invitae), Labcorp
Classification: Uncertain significance for Muscular dystrophy-dystroglycanopathy (congenital with impaired intellectual development), type B, 2; Muscular dystrophy-dystroglycanopathy (congenital with brain and eye anomalies), type A2; Autosomal recessive limb-girdle muscular dystrophy type 2N. Last evaluated: 2023-08-10. Review status: criteria provided, single submitter. Criteria: Invitae Variant Classification Sherloc (09022015). Collection method: clinical testing. Allele origin: germline.
Comment: Advanced modeling of protein sequence and biophysical properties (such as structural, functional, and spatial information, amino acid conservation, physicochemical variation, residue mobility, and thermodynamic stability) performed at Invitae indicates that this missense variant is not expected to disrupt POMT2 protein function. This sequence change replaces serine, which is neutral and polar, with alanine, which is neutral and non-polar, at codon 450 of the POMT2 protein (p.Ser450Ala). This variant is present in population databases (rs756184152, gnomAD 0.009%). This variant has not been reported in the literature in individuals affected with POMT2-related conditions. ClinVar contains an entry for this variant (Variation ID: 2158539). In summary, the available evidence is currently insufficient to determine the role of this variant in disease. Therefore, it has been classified as a Variant of Uncertain Significance.

NM_013382.7(POMT2):c.1348T>G (p.Ser450Ala)

Gene: POMT2 (protein O-mannosyltransferase 2; minus strand). Cytogenetic location: 14q24.3.
Variant type: single nucleotide variant.
Coding change: c.1348T>G on transcript NM_013382.7 (MANE Select); coding-DNA position 1348, T replaced by G.
Protein change: p.Ser450Ala; replaces serine 450 with alanine.
Molecular consequence: missense variant.
Genome position (GRCh38, 1-based): chr14:77,285,617, A>C on the plus strand (T>G on the coding strand, the complement: POMT2 is on the minus strand). VCF-style: chr14-77285617-A-C. GRCh37 (hg19) VCF-style: chr14-77751960-A-C.
Other names: short protein forms S450A.
Identifiers: ClinVar variation 2158539 (VCV002158539.3), dbSNP rs756184152, ClinGen allele CA7285871.